The following is an entry in ClinVar:

ClinVar aggregate classification (germline): Uncertain significance (1 of 4 stars; one submission).

Submission:

Ambry Genetics
Classification: Uncertain significance. Last evaluated: 2022-12-23. Review status: criteria provided, single submitter. Criteria: Ambry Variant Classification Scheme 2023. Collection method: clinical testing. Allele origin: germline.
Comment: The p.E707Q variant (also known as c.2119G>C), located in coding exon 13 of the POLQ gene, results from a G to C substitution at nucleotide position 2119. The glutamic acid at codon 707 is replaced by glutamine, an amino acid with highly similar properties. This amino acid position is conserved. In addition, this alteration is predicted to be tolerated by in silico analysis. Since supporting evidence is limited at this time, the clinical significance of this alteration remains unclear.

NM_199420.4(POLQ):c.2119G>C (p.Glu707Gln)

Gene: POLQ (DNA polymerase theta; minus strand). Cytogenetic location: 3q13.33.
Variant type: single nucleotide variant.
Coding change: c.2119G>C on transcript NM_199420.4 (MANE Select); coding-DNA position 2119, G replaced by C.
Protein change: p.Glu707Gln; replaces glutamic acid 707 with glutamine.
Molecular consequence: missense variant.
Genome position (GRCh38, 1-based): chr3:121,498,511, C>G on the plus strand (G>C on the coding strand, the complement: POLQ is on the minus strand). VCF-style: chr3-121498511-C-G. GRCh37 (hg19) VCF-style: chr3-121217358-C-G.
Other names: short protein forms E707Q.
Identifiers: ClinVar variation 2448954 (VCV002448954.2), dbSNP rs2546794673, ClinGen allele CA354109829.